The following is an entry in ClinVar:

NM_003597.5(KLF11):c.914C>T (p.Pro305Leu)

Gene: KLF11 (KLF transcription factor 11; plus strand). Cytogenetic location: 2p25.1.
Variant type: single nucleotide variant.
Coding change: c.914C>T on transcript NM_003597.5 (MANE Select); coding-DNA position 914, C replaced by T.
Protein change: p.Pro305Leu; replaces proline 305 with leucine.
Molecular consequence: missense variant.
Genome position (GRCh38, 1-based): chr2:10,048,251, C>T. VCF-style: chr2-10048251-C-T. GRCh37 (hg19) VCF-style: chr2-10188378-C-T.
Other names: c.863C>T, p.Pro288Leu (NM_001177716.2, NM_001177718.2); short protein forms P288L, P305L.
Identifiers: ClinVar variation 1691379 (VCV001691379.2), dbSNP rs772989476, ClinGen allele CA1525630.

ClinVar aggregate classification (germline): Uncertain significance (1 of 4 stars; one submission).

Allele frequency attached by ClinVar (database versions not stated): gnomAD 0.00001.
gnomAD v4.1: 3 of 1,611,544 alleles (0.00019%); highest among the groups gnomAD compares: African/African-American, 0.0013%; no homozygotes.

Submission:

Seattle Children's Hospital Molecular Genetics Laboratory, Seattle Children's Hospital
Classification: Uncertain significance. Last evaluated: 2019-05-13. Review status: criteria provided, single submitter. Criteria: ACMG Guidelines, 2015. Collection method: clinical testing. Allele origin: germline. Affected: yes.
Comment: The c.914C>T (p.Pro305Leu) variant is located in exon 3 of KLF11. This substitution replaces the proline for leucine at amino acid position 305 of the protein. This variant has not been reported in the literature, the Human Gene Mutation Database (HGMD), or ClinVar database. This variant has been observed in a single individual in the general population (observed in 1 of 249,572 alleles; GnomAD v2.1 chr2:10188378). The nucleotide position is well conserved between species and in silico tools have conflicting predictions about the possible impact of this substitution on protein function (DANN, MutationTaster, SIFT, Provean - damaging; FATHMM, MetaSVM, LRT - tolerated).